The following is an entry in ClinVar:

ClinVar aggregate classification (germline): Uncertain significance (1 of 4 stars; one submission).

Submission:

GeneDx
Classification: Uncertain significance. Last evaluated: 2023-03-17. Review status: criteria provided, single submitter. Criteria: GeneDx Variant Classification Process June 2021. Collection method: clinical testing. Allele origin: germline. Affected: yes.
Comment: Not observed at significant frequency in large population cohorts (gnomAD); In silico analysis supports that this missense variant has a deleterious effect on protein structure/function; Has not been previously published as pathogenic or benign to our knowledge

NM_001007228.2(SPOP):c.301A>C (p.Lys101Gln)

Gene: SPOP (speckle type BTB/POZ protein; minus strand). Cytogenetic location: 17q21.33.
Variant type: single nucleotide variant.
Coding change: c.301A>C on transcript NM_001007228.2 (MANE Select); coding-DNA position 301, A replaced by C.
Protein change: p.Lys101Gln; replaces lysine 101 with glutamine.
Molecular consequence: missense variant.
Genome position (GRCh38, 1-based): chr17:49,619,285, T>G on the plus strand (A>C on the coding strand, the complement: SPOP is on the minus strand). VCF-style: chr17-49619285-T-G. GRCh37 (hg19) VCF-style: chr17-47696647-T-G.
Other names: c.301A>C, p.Lys101Gln (NM_001007226.1, NM_001007227.1, NM_001007229.1 and 5 more transcripts); short protein forms K101Q.
Identifiers: ClinVar variation 2579901 (VCV002579901.1), dbSNP rs2143270444, ClinGen allele CA400156926.
Genomic context (GRCh38, chr17:49,619,285, plus strand): 5'-AACATTTACCCATAGCTTTGGTTTCTTCTCCCTTGGCATTCAGGATGGAGAATTTGAATT[T>G]TGCCCGAACTTCACTCTTTGGACAGCTGACCAGTAACAGGTAAAGTGACAGGTAATCTTT-3'
Protein context (NP_001007229.1, residues 91-111): VSCPKSEVRA[Lys101Gln]FKFSILNAKG